The following is an entry in ClinVar:

NM_005732.4(RAD50):c.2801A>T (p.Asn934Ile)

Gene: RAD50 (RAD50 double strand break repair protein; plus strand). Cytogenetic location: 5q31.1.
Variant type: single nucleotide variant.
Coding change: c.2801A>T on transcript NM_005732.4 (MANE Select); coding-DNA position 2801, A replaced by T.
Protein change: p.Asn934Ile; replaces asparagine 934 with isoleucine.
Molecular consequence: missense variant.
Genome position (GRCh38, 1-based): chr5:132,608,697, A>T. VCF-style: chr5-132608697-A-T. GRCh37 (hg19) VCF-style: chr5-131944389-A-T.
Other names: short protein forms N934I.
Identifiers: ClinVar variation 665128 (VCV000665128.11), dbSNP rs1581004289, ClinGen allele CA360959088.

ClinVar aggregate classification (germline): Uncertain significance. Review status: criteria provided, multiple submitters, no conflicts (2 of 4 stars). 2 submissions from 2 submitters: Uncertain significance (2). Last evaluated 2020-02-25.

Conditions:
Hereditary cancer-predisposing syndrome. Also called: Tumor predisposition; Hereditary neoplastic syndrome; Neoplastic Syndromes, Hereditary; Hereditary Cancer Syndrome. Identifiers: Orphanet 140162, MedGen C0027672, MeSH D009386, MONDO:0015356.

Allele frequency attached by ClinVar (database versions not stated): TOPMed below 0.00001.

Submissions (2):

Ambry Genetics
Classification: Uncertain significance for Hereditary cancer-predisposing syndrome. Last evaluated: 2020-02-25. Review status: criteria provided, single submitter. Criteria: Ambry Variant Classification Scheme 2023. Collection method: clinical testing. Allele origin: germline.
Comment: The p.N934I variant (also known as c.2801A>T), located in coding exon 17 of the RAD50 gene, results from an A to T substitution at nucleotide position 2801. The asparagine at codon 934 is replaced by isoleucine, an amino acid with dissimilar properties. This amino acid position is not well conserved in available vertebrate species. In addition, this alteration is predicted to be tolerated by in silico analysis. Since supporting evidence is limited at this time, the clinical significance of this alteration remains unclear.

Labcorp Genetics (formerly Invitae), Labcorp
Classification: Uncertain significance for Hereditary cancer-predisposing syndrome. Last evaluated: 2018-11-29. Review status: criteria provided, single submitter. Criteria: Invitae Variant Classification Sherloc (09022015). Collection method: clinical testing. Allele origin: germline.
Comment: This variant is not present in population databases (ExAC no frequency). This sequence change replaces asparagine with isoleucine at codon 934 of the RAD50 protein (p.Asn934Ile). The asparagine residue is weakly conserved and there is a large physicochemical difference between asparagine and isoleucine. This variant has not been reported in the literature in individuals with RAD50-related conditions. In summary, the available evidence is currently insufficient to determine the role of this variant in disease. Therefore, it has been classified as a Variant of Uncertain Significance. Algorithms developed to predict the effect of missense changes on protein structure and function (SIFT, PolyPhen-2, Align-GVGD) all suggest that this variant is likely to be tolerated, but these predictions have not been confirmed by published functional studies and their clinical significance is uncertain.